The following is an entry in ClinVar:

ClinVar aggregate classification (germline): Uncertain significance (1 of 4 stars; one submission).

Conditions:
Catecholaminergic polymorphic ventricular tachycardia (CVPT). Also called: Catecholamine-induced polymorphic ventricular tachycardia. Identifiers: Orphanet 3286, MedGen C5574922, MONDO:0017990.

Allele frequency attached by ClinVar (database versions not stated): gnomAD exomes below 0.00001; TOPMed below 0.00001.
gnomAD v4.1: 2 of 1,566,298 alleles (0.00013%); highest among the groups gnomAD compares: East Asian, 0.0023%; no homozygotes.

Submission:

All of Us Research Program, National Institutes of Health
Classification: Uncertain significance for Catecholaminergic polymorphic ventricular tachycardia. Last evaluated: 2023-05-16. Review status: criteria provided, single submitter. Criteria: ACMG Guidelines, 2015. Collection method: clinical testing. Allele origin: germline. Inheritance: Autosomal dominant inheritance. Observed: 1 variant allele, 1 heterozygote.
Comment: This variant causes a G to A nucleotide substitution at the +1 position of intron 91 of the RYR2 gene. Splice site prediction tools predict that this variant may have a significant impact on RNA splicing. Although this prediction has not been confirmed in published RNA studies, this variant is expected to result in an absent or disrupted protein product. This variant has not been reported in individuals affected with RYR2-related disorders in the literature. This variant has not been identified in the general population by the Genome Aggregation Database (gnomAD). Clinical relevance of loss-of-function RYR2 truncation and splice variants in autosomal dominant cardiovascular disorders is not clearly established. The available evidence is insufficient to determine the role of this variant in disease conclusively. Therefore, this variant is classified as a Variant of Uncertain Significance.

This study involves interpretation of variants in research participants for the purpose of population health screening. Participant phenotype was not available at the time of variant classification. Additional details can be found in publication PMID: 35346344, PMCID: PMC8962531

NM_001035.3(RYR2):c.13328+1G>A

Gene: RYR2 (ryanodine receptor 2; plus strand). Cytogenetic location: 1q43.
Variant type: single nucleotide variant.
Coding change: c.13328+1G>A on transcript NM_001035.3 (MANE Select); the canonical splice donor site of the intron after coding-DNA position 13328, G replaced by A.
Molecular consequence: splice donor variant.
Genome position (GRCh38, 1-based): chr1:237,786,037, G>A. VCF-style: chr1-237786037-G-A. GRCh37 (hg19) VCF-style: chr1-237949337-G-A.
Identifiers: ClinVar variation 3071015 (VCV003071015.1), dbSNP rs1176542321, ClinGen allele CA345416014.